The following is an entry in ClinVar:

NM_000492.4(CFTR):c.861C>G (p.Asn287Lys)

Gene: CFTR (CF transmembrane conductance regulator; plus strand). Cytogenetic location: 7q31.2.
Variant type: single nucleotide variant.
Coding change: c.861C>G on transcript NM_000492.4 (MANE Select); coding-DNA position 861, C replaced by G.
Protein change: p.Asn287Lys; replaces asparagine 287 with lysine.
Molecular consequence: missense variant.
Genome position (GRCh38, 1-based): chr7:117,536,665, C>G. VCF-style: chr7-117536665-C-G. GRCh37 (hg19) VCF-style: chr7-117176719-C-G.
Other names: short protein forms N287K.
Identifiers: ClinVar variation 54071 (VCV000054071.31), dbSNP rs112162204, ClinGen allele CA327670.

ClinVar aggregate classification (germline): Uncertain significance. Review status: criteria provided, multiple submitters, no conflicts (2 of 4 stars). 13 submissions from 13 submitters: Uncertain significance (10). 3 of the submissions do not count toward it. Last evaluated 2026-08-11.

Conditions:
CFTR-related disorder (CFTR-RD). Also called: CFTR-related condition; CFTR-related disorders. Identifiers: MedGen C5924204, MONDO:7770004.
Bronchiectasis with or without elevated sweat chloride 1 (BESC1). Also called: Cystic Fibrosis-Like Syndrome. Identifiers: Orphanet 60033, MedGen C2749757, MONDO:0008887, OMIM 211400.
Cystic fibrosis (CF). Also called: MUCOVISCIDOSIS. Identifiers: Orphanet 586, MedGen C0010674, MONDO:0009061, OMIM 219700. Disease mechanism: loss of function.
Hereditary pancreatitis (PCTT). Also called: Hereditary chronic pancreatitis; PRSS1-Related Hereditary Pancreatitis. Identifiers: Orphanet 676, MedGen C0238339, MONDO:0008185, OMIM 167800.
Congenital bilateral aplasia of vas deferens from CFTR mutation (CBAVD). Identifiers: Orphanet 48, MedGen C0403814, MONDO:0010178, OMIM 277180. Disease mechanism: loss of function.

Allele frequency attached by ClinVar (database versions not stated): TOPMed 0.00005; gnomAD 0.00006; ExAC 0.00007; gnomAD exomes 0.00002 and 0.00011; 1000 Genomes Project 30x 0.00016; 1000 Genomes Project 0.00020.
gnomAD v4.1: 52 of 1,610,920 alleles (0.0032%); highest among the groups gnomAD compares: East Asian, 0.096%; no homozygotes.

Submissions (13):

GeneDx
Classification: Uncertain significance. Last evaluated: 2026-08-11. Review status: criteria provided, single submitter. Criteria: GeneDx Variant Classification Process June 2021. Collection method: clinical testing. Allele origin: germline.
Comment: Reported with a second CFTR variant, phase unknown, in an individual with suspected CFTR-RD characterized by chronic wet cough, recurrent respiratory infection, and bronchiectasis (PMID: 41039378); Observed in an individual with congenital bilateral absence of the vas deferens (CBAVD) without a second CFTR variant identified and in patients with CAVD, cystic fibrosis, or intrahepatic cholestasis with no information provided on whether other CFTR variants were also identified (PMID: 15905293, 26708955, 31450232, 32777524); In silico analysis suggests that this missense variant does not alter protein structure/function; This variant is associated with the following publications: (PMID: 35913788, 15905293, 32777524, 26708955, 26471113, 29216686, 20233062, 35313924, 31450232, 35858753, 40065563, 41039378)

Labcorp Genetics (formerly Invitae), Labcorp
Classification: Uncertain significance for Cystic fibrosis. Last evaluated: 2026-01-24. Review status: criteria provided, single submitter. Criteria: Invitae Variant Classification Sherloc (09022015). Collection method: clinical testing. Allele origin: germline.
Comment: This sequence change replaces asparagine, which is neutral and polar, with lysine, which is basic and polar, at codon 287 of the CFTR protein (p.Asn287Lys). This variant is present in population databases (rs112162204, gnomAD 0.2%). This missense change has been observed in individual(s) with clinical features of CFTR-related conditions (PMID: 15905293, 32777524, 35858753). ClinVar contains an entry for this variant (Variation ID: 54071). Invitae Evidence Modeling of protein sequence and biophysical properties (such as structural, functional, and spatial information, amino acid conservation, physicochemical variation, residue mobility, and thermodynamic stability) indicates that this missense variant is not expected to disrupt CFTR protein function with a negative predictive value of 80%. In summary, the available evidence is currently insufficient to determine the role of this variant in disease. Therefore, it has been classified as a Variant of Uncertain Significance.

Women's Health and Genetics/Laboratory Corporation of America, LabCorp
Classification: Uncertain significance. Last evaluated: 2026-01-18. Review status: criteria provided, single submitter. Criteria: LabCorp Variant Classification Summary - May 2015. Collection method: clinical testing. Allele origin: germline.
Comment: Variant summary: CFTR c.861C>G (p.Asn287Lys) results in a non-conservative amino acid change located in the ABC transporter type 1, transmembrane domain (IPR011527) of the encoded protein sequence. Algorithms developed to predict the effect of missense changes on protein structure and function are either unavailable or do not agree on the potential impact of this missense change. The variant allele was found at a frequency of 0.00011 in 248836 control chromosomes, predominantly at a frequency of 0.0015 within the East Asian subpopulation in the gnomAD database. This frequency is not significantly higher than estimated for disease-causing variants in CFTR, allowing no conclusion about variant significance. c.861C>G has been reported in the literature in individuals affected with CBAVD, cystic fibrosis, enteric fever and intrahepatic cholestasis (e.g. Wu_2005, van de Vosse_2010, Schrijver_2016, Wang_2020, Luo_2021, Lu_2025). These report(s) do not provide unequivocal conclusions about association of the variant with Chronic Pancreatitis Risk. To our knowledge, no experimental evidence demonstrating an impact on protein function has been reported. The following publications have been ascertained in the context of this evaluation (PMID: 32777524, 26708955, 35858753, 31450232, 15905293, 20233062, 40065563). ClinVar contains an entry for this variant (Variation ID: 54071). Based on the evidence outlined above, the variant was classified as uncertain significance.

Ambry Genetics
Classification: Uncertain significance for Cystic fibrosis. Last evaluated: 2025-12-02. Review status: criteria provided, single submitter. Criteria: Ambry Variant Classification Scheme 2023. Collection method: clinical testing. Allele origin: germline.
Comment: The p.N287K variant (also known as c.861C>G), located in coding exon 7 of the CFTR gene, results from a C to G substitution at nucleotide position 861. The asparagine at codon 287 is replaced by lysine, an amino acid with similar properties. This variant was identified in an individual with congenital bilateral absence of the vas deferens; a second CFTR alteration was not detected (Wu CC et al. Hum. Reprod., 2005 Sep;20:2470-5). This amino acid position is well conserved in available vertebrate species. In addition, this alteration is predicted to be tolerated by in silico analysis. Based on the available evidence, the clinical significance of this variant remains unclear.

Quest Diagnostics Nichols Institute San Juan Capistrano
Classification: Uncertain significance. Last evaluated: 2022-12-28. Review status: criteria provided, single submitter. Criteria: Quest Diagnostics criteria. Collection method: clinical testing. Allele origin: unknown.
Comment: The frequency of this variant in the general population, 0.0017 (33/19904 chromosomes), is uninformative in assessment of its pathogenicity. In the published literature, the variant has been reported in individuals with cystic fibrosis (CF) (PMID: 26708955 (2016)), congenital bilateral absence of the vas deferens (CBAVD) (PMID: 15905293 (2005) 32777524, (2021)), enteric fever (PMID: 20233062 (2010)), and intrahepatic cholestasis (PMID: 31450232 (2020)). Analysis of this variant using bioinformatics tools for the prediction of the effect of amino acid changes on protein structure and function yielded conflicting predictions that this variant is deleterious or benign. Based on the available information, we are unable to determine the clinical significance of this variant.

Johns Hopkins Genomics, Johns Hopkins University
Classification: Uncertain significance for Cystic fibrosis. Last evaluated: 2022-07-23. Review status: criteria provided, single submitter. Criteria: ACMG Guidelines, 2015. Collection method: clinical testing. Allele origin: germline.
Comment: CFTR c.861C>G has been identified as a single heterozygous variant in multiple individuals with congenital bilateral absence of the vas deferens and has been reported in ClinVar (Variation ID: 54071). This variant (rs112162204) has been identified in a large population dataset and the minor allele frequency is neither low enough to consider the variant rare (<0.1%) nor high enough to consider it a population polymorphism (>1%) within the East Asian subpopulation (gnomAD: 33/19904 alleles; 0.1658%, no homozygotes). Three bioinformatic tools queried predict that this substitution would be tolerated, while the asparagine residue at this position is evolutionarily conserved across many of the species assessed. We consider the clinical significance of CFTR c.861C>G to be uncertain at this time.

Fulgent Genetics
Classification: Uncertain significance for Hereditary pancreatitis; Bronchiectasis with or without elevated sweat chloride 1; Cystic fibrosis; Congenital bilateral aplasia of vas deferens from CFTR mutation. Last evaluated: 2022-04-21. Review status: criteria provided, single submitter. Criteria: ACMG Guidelines, 2015. Collection method: clinical testing. Allele origin: unknown.

Genome-Nilou Lab
Classification: Uncertain significance for Cystic fibrosis. Last evaluated: 2021-09-05. Review status: criteria provided, single submitter. Criteria: ACMG Guidelines, 2015. Collection method: clinical testing. Allele origin: germline. Affected: no.

Eurofins Ntd Llc (ga)
Classification: Uncertain significance. Last evaluated: 2017-04-18. Review status: criteria provided, single submitter. Criteria: EGL Classification Definitions 2015. Collection method: clinical testing. Allele origin: germline. Observed: 2 variant alleles, 2 heterozygotes.

Juno Genomics, Hangzhou Juno Genomics, Inc
Classification: Uncertain significance for Bronchiectasis with or without elevated sweat chloride 1; Hereditary pancreatitis; Congenital bilateral aplasia of vas deferens from CFTR mutation; Cystic fibrosis. Review status: criteria provided, single submitter. Criteria: ACMG Guidelines, 2015. Collection method: clinical testing. Allele origin: germline.
Comment: Absent from controls (or at extremely low frequency if recessive) in Genome Aggregation Database.

Counsyl
Classification: Uncertain significance for Cystic fibrosis. Last evaluated: 2017-10-24. Review status: no assertion criteria provided. Collection method: clinical testing. Allele origin: unknown. Not counted in ClinVar's aggregate classification.

Natera, Inc.
Classification: Uncertain significance for CFTR-related disorders. Last evaluated: 2017-10-16. Review status: no assertion criteria provided. Collection method: clinical testing. Allele origin: germline. Not counted in ClinVar's aggregate classification.

ClinVar Staff, National Center for Biotechnology Information (NCBI)
No classification provided. Condition: CFTR-related disorders. Review status: no classification provided. Collection method: literature only. Allele origin: germline. Affected: yes. Not counted in ClinVar's aggregate classification.

Literature cited by the submitters: PubMed 15905293 (cited by 5 submitters); PubMed 32777524 (cited by 3 submitters); PubMed 35858753 (cited by Labcorp Genetics (formerly Invitae), Labcorp and Women's Health and Genetics/Laboratory Corporation of America, LabCorp); PubMed 20233062 (cited by 3 submitters); PubMed 26708955 (cited by 3 submitters); PubMed 31450232 (cited by Women's Health and Genetics/Laboratory Corporation of America, LabCorp); PubMed 40065563 (cited by Women's Health and Genetics/Laboratory Corporation of America, LabCorp); PubMed 26471113 (cited by Ambry Genetics); PubMed 29216686 (cited by Ambry Genetics).